The following is an entry in ClinVar:

ClinVar aggregate classification (germline): Uncertain significance (1 of 4 stars; one submission).

Conditions:
Long QT syndrome (LQTS). Identifiers: MedGen C0023976, MeSH D008133, MONDO:0002442. Disease mechanism: loss of function. Inheritance: Various modes of inheritance.

Submission:

Labcorp Genetics (formerly Invitae), Labcorp
Classification: Uncertain significance for Long QT syndrome. Last evaluated: 2018-02-07. Review status: criteria provided, single submitter. Criteria: Invitae Variant Classification Sherloc (09022015). Collection method: clinical testing. Allele origin: germline.
Comment: Experimental studies and prediction algorithms are not available for this variant, and the functional significance of the duplicated amino acids is currently unknown. In summary, the available evidence is currently insufficient to determine the role of this variant in disease. Therefore, it has been classified as a Variant of Uncertain Significance. This variant has not been reported in the literature in individuals with CACNA1C-related disease. This variant is a gross duplication of the genomic region encompassing exons 31 to 47 of the CACNA1C gene. The 5' boundary is likely confined to intron 30. The 3' end of this event is unknown as it extends beyond the assayed region for this gene and therefore may encompass additional genes. The exact location of this variant in the genome is unknown.

NC_000012.11:g.(?_2757621)_(2800385_?)dup

Gene: CACNA1C (calcium voltage-gated channel subunit alpha1 C; plus strand). Cytogenetic location: 12p13.33.
Variant type: Duplication.
Identifiers: ClinVar variation 456853 (VCV000456853.9).